The following is an entry in ClinVar:

ClinVar aggregate classification (germline): Likely benign. Review status: criteria provided, multiple submitters, no conflicts (2 of 4 stars). 3 submissions from 3 submitters: Likely benign (3). Last evaluated 2024-03-01.

Conditions:
Classic or attenuated familial adenomatous polyposis. Identifiers: MedGen CN372698, MONDO:0021057.
Familial adenomatous polyposis 1 (FAP1). Also called: POLYPOSIS, ADENOMATOUS INTESTINAL; FAMILIAL ADENOMATOUS POLYPOSIS 1, ATTENUATED. Identifiers: MedGen C2713442, MONDO:0021056, OMIM 175100. Disease mechanism: loss of function.

Submissions (3):

Myriad Genetics, Inc.
Classification: Likely benign for Familial adenomatous polyposis 1. Last evaluated: 2024-03-01. Review status: criteria provided, single submitter. Criteria: Myriad Autosomal Dominant, Autosomal Recessive and X-Linked Classification Criteria (2023). Collection method: clinical testing. Allele origin: unknown.
Comment: This variant is considered likely benign. This variant is intronic and is not expected to impact mRNA splicing.

All of Us Research Program, National Institutes of Health
Classification: Likely benign for Classic or attenuated familial adenomatous polyposis. Last evaluated: 2023-03-23. Review status: criteria provided, single submitter. Criteria: ACMG Guidelines, 2015. Collection method: clinical testing. Allele origin: germline. Inheritance: Autosomal dominant inheritance. Observed: 1 variant allele, 1 heterozygote.
Comment: This study involves interpretation of variants in research participants for the purpose of population health screening. Participant phenotype was not available at the time of variant classification. Additional details can be found in publication PMID: 35346344, PMCID: PMC8962531

Labcorp Genetics (formerly Invitae), Labcorp
Classification: Likely benign for Familial adenomatous polyposis 1. Last evaluated: 2022-09-19. Review status: criteria provided, single submitter. Criteria: Invitae Variant Classification Sherloc (09022015). Collection method: clinical testing. Allele origin: germline.

NM_000038.6(APC):c.1409-13C>T

Gene: APC (APC regulator of Wnt signaling pathway; plus strand). Cytogenetic location: 5q22.2.
Variant type: single nucleotide variant.
Coding change: c.1409-13C>T on transcript NM_000038.6 (MANE Select); 13 bases into the intron before coding-DNA position 1409, C replaced by T.
Molecular consequence: intron variant.
Genome position (GRCh38, 1-based): chr5:112,827,095, C>T. VCF-style: chr5-112827095-C-T. GRCh37 (hg19) VCF-style: chr5-112162792-C-T.
Other names: c.1409-13C>T (NM_001354895.2, NM_001127510.3); c.1439-13C>T (NM_001354897.2); c.1136-13C>T (NM_001354902.2); c.1355-13C>T (NM_001127511.3); c.1334-13C>T (NM_001354898.2); c.1031-13C>T (NM_001354904.2); c.560-13C>T (NM_001354906.2); c.1463-13C>T (NM_001354896.2); and 5 more.
Identifiers: ClinVar variation 2031185 (VCV002031185.6), dbSNP rs1554081628, ClinGen allele CA2580072238.